The following is an entry in ClinVar:

NM_000059.4(BRCA2):c.3967A>C (p.Lys1323Gln)

Gene: BRCA2 (BRCA2 DNA repair associated; plus strand). Cytogenetic location: 13q13.1.
Variant type: single nucleotide variant.
Coding change: c.3967A>C on transcript NM_000059.4 (MANE Select); coding-DNA position 3967, A replaced by C.
Protein change: p.Lys1323Gln; replaces lysine 1323 with glutamine.
Molecular consequence: missense variant.
Genome position (GRCh38, 1-based): chr13:32,338,322, A>C. VCF-style: chr13-32338322-A-C. GRCh37 (hg19) VCF-style: chr13-32912459-A-C.
Other names: c.3967A>C, p.Lys1323Gln (NM_001406719.1, NM_001406720.1); short protein forms K1323Q.
Identifiers: ClinVar variation 1736564 (VCV001736564.4), dbSNP rs80358648, ClinGen allele CA387778924.

ClinVar aggregate classification (germline): Conflicting classifications of pathogenicity. Review status: criteria provided, conflicting classifications (1 of 4 stars). 2 submissions from 2 submitters: Uncertain significance (1); Likely benign (1). Last evaluated 2023-03-23.

Conditions:
Hereditary cancer-predisposing syndrome. Also called: Neoplastic Syndromes, Hereditary; Tumor predisposition; Hereditary Cancer Syndrome; Hereditary neoplastic syndrome. Identifiers: Orphanet 140162, MedGen C0027672, MeSH D009386, MONDO:0015356.

Submissions (2):

University of Washington Department of Laboratory Medicine, University of Washington
Classification: Likely benign for Hereditary cancer-predisposing syndrome. Last evaluated: 2023-03-23. Review status: criteria provided, single submitter. Criteria: Dines et al. (Genet Med. 2020). Collection method: curation. Allele origin: germline.
Comment: Missense variant in a coldspot region where missense variants are very unlikely to be pathogenic (PMID:31911673).

BRCA2 exon 11 coldspot. Reclassification based on statistical prior probability.

Ambry Genetics
Classification: Uncertain significance for Hereditary cancer-predisposing syndrome. Last evaluated: 2021-06-04. Review status: criteria provided, single submitter. Criteria: Ambry Variant Classification Scheme 2023. Collection method: clinical testing. Allele origin: germline.
Comment: The p.K1323Q variant (also known as c.3967A>C), located in coding exon 10 of the BRCA2 gene, results from an A to C substitution at nucleotide position 3967. The lysine at codon 1323 is replaced by glutamine, an amino acid with similar properties. This amino acid position is not well conserved in available vertebrate species. In addition, this alteration is predicted to be tolerated by in silico analysis. Since supporting evidence is limited at this time, the clinical significance of this alteration remains unclear.